The following is an entry in ClinVar:

NM_020937.4(FANCM):c.1591C>G (p.Gln531Glu)

Gene: FANCM (FA complementation group M; plus strand). Cytogenetic location: 14q21.2.
Variant type: single nucleotide variant.
Coding change: c.1591C>G on transcript NM_020937.4 (MANE Select); coding-DNA position 1591, C replaced by G.
Protein change: p.Gln531Glu; replaces glutamine 531 with glutamic acid.
Molecular consequence: missense variant.
Genome position (GRCh38, 1-based): chr14:45,164,368, C>G. VCF-style: chr14-45164368-C-G. GRCh37 (hg19) VCF-style: chr14-45633571-C-G.
Other names: c.1513C>G, p.Gln505Glu (NM_001308133.2); c.1591C>G, p.Gln531Glu (NM_001308134.2); short protein forms Q531E, Q505E.
Identifiers: ClinVar variation 3680536 (VCV003680536.2).

ClinVar aggregate classification (germline): Uncertain significance (1 of 4 stars; one submission).

Conditions:
Fanconi anemia (FA). Also called: Fanconi's anemia. Identifiers: Orphanet 84, MedGen C0015625, MeSH D005199, MONDO:0019391.

gnomAD v4.1: 1 of 1,611,614 alleles (0.000062%); highest among the groups gnomAD compares: Non-Finnish European, 0.000085%; no homozygotes.

Submission:

Labcorp Genetics (formerly Invitae), Labcorp
Classification: Uncertain significance for Fanconi anemia. Last evaluated: 2024-06-29. Review status: criteria provided, single submitter. Criteria: Invitae Variant Classification Sherloc (09022015). Collection method: clinical testing. Allele origin: germline.
Comment: This sequence change replaces glutamine, which is neutral and polar, with glutamic acid, which is acidic and polar, at codon 531 of the FANCM protein (p.Gln531Glu). This variant is present in population databases (no rsID available, gnomAD 0.007%). This variant has not been reported in the literature in individuals affected with FANCM-related conditions. An algorithm developed to predict the effect of missense changes on protein structure and function (PolyPhen-2) suggests that this variant is likely to be tolerated. In summary, the available evidence is currently insufficient to determine the role of this variant in disease. Therefore, it has been classified as a Variant of Uncertain Significance.